The following is an entry in ClinVar:

ClinVar aggregate classification (germline): Conflicting classifications of pathogenicity. Review status: criteria provided, conflicting classifications (1 of 4 stars). 2 submissions from 2 submitters: Pathogenic (1); Uncertain significance (1). Last evaluated 2026-07-01.

Conditions:
Glycogen storage disease, type II (IOPD). Also called: CARDIOMEGALIA GLYCOGENICA DIFFUSA; GLYCOGENOSIS, GENERALIZED, CARDIAC FORM; GSD II; Glycogen storage disease type 2; Acid maltase deficiency disease; Aglucosidase alfa. Identifiers: Orphanet 365, MedGen C0017921, MONDO:0009290, OMIM 232300.

Submissions (2):

Genomenon, Inc
Classification: Uncertain significance for Glycogen storage disease, type II. Last evaluated: 2026-07-01. Review status: criteria provided, single submitter. Criteria: Genomenon Sequence Variant Interpretation Standards - Updated. Collection method: curation. Allele origin: germline. Affected: yes.
Comment: GAA p.Tyr455Cys (c.1364A>G) is a missense variant that changes the amino acid at codon 455 from Tyrosine to Cysteine. This variant has been observed in at least one proband with a GAA-related disorder (PMID:17616415). The presence of pathogenic/likely pathogenic missense variant(s) at the same amino acid position indicates that this residue is likely important for protein function. It is absent or not present at a significant frequency in gnomAD. In silico models predict that this variant is possibly or probably damaging. In conclusion, we classify GAA p.Tyr455Cys (c.1364A>G) as a variant of uncertain significance.

Labcorp Genetics (formerly Invitae), Labcorp
Classification: Pathogenic for Glycogen storage disease, type II. Last evaluated: 2022-11-29. Review status: criteria provided, single submitter. Criteria: Invitae Variant Classification Sherloc (09022015). Collection method: clinical testing. Allele origin: germline.
Comment: For these reasons, this variant has been classified as Pathogenic. This variant disrupts the p.Tyr455 amino acid residue in GAA. Other variant(s) that disrupt this residue have been observed in individuals with GAA-related conditions (PMID: 14695532), which suggests that this may be a clinically significant amino acid residue. Advanced modeling of protein sequence and biophysical properties (such as structural, functional, and spatial information, amino acid conservation, physicochemical variation, residue mobility, and thermodynamic stability) performed at Invitae indicates that this missense variant is expected to disrupt GAA protein function. This missense change has been observed in individual(s) with clinical features of Pompe disease (PMID: 17616415). This variant is not present in population databases (gnomAD no frequency). This sequence change replaces tyrosine, which is neutral and polar, with cysteine, which is neutral and slightly polar, at codon 455 of the GAA protein (p.Tyr455Cys).

Literature cited by the submitters: PubMed 17616415 (cited by Genomenon, Inc and Labcorp Genetics (formerly Invitae), Labcorp); PubMed 14695532 (cited by Labcorp Genetics (formerly Invitae), Labcorp).

NM_000152.5(GAA):c.1364A>G (p.Tyr455Cys)

Gene: GAA (alpha glucosidase; plus strand). Cytogenetic location: 17q25.3.
Variant type: single nucleotide variant.
Coding change: c.1364A>G on transcript NM_000152.5 (MANE Select); coding-DNA position 1364, A replaced by G.
Protein change: p.Tyr455Cys; replaces tyrosine 455 with cysteine.
Molecular consequence: missense variant.
Genome position (GRCh38, 1-based): chr17:80,109,982, A>G. VCF-style: chr17-80109982-A-G. GRCh37 (hg19) VCF-style: chr17-78083781-A-G.
Other names: c.1364A>G, p.Tyr455Cys (NM_001079803.3, NM_001079804.3, NM_001406741.1 and 1 more transcripts); short protein forms Y455C.
Identifiers: ClinVar variation 2736675 (VCV002736675.4), dbSNP rs2510370057, ClinGen allele CA401366388.